The following is an entry in ClinVar:

ClinVar aggregate classification (germline): Uncertain significance (1 of 4 stars; one submission).

Allele frequency attached by ClinVar (database versions not stated): gnomAD exomes below 0.00001.
gnomAD v4.1: 2 of 1,613,998 alleles (0.00012%); highest among the groups gnomAD compares: Non-Finnish European, 0.00017%; no homozygotes.

Submission:

GeneDx
Classification: Uncertain significance. Last evaluated: 2020-02-02. Review status: criteria provided, single submitter. Criteria: GeneDx Variant Classification Process June 2021. Collection method: clinical testing. Allele origin: germline. Affected: yes.
Comment: Not observed in large population cohorts (Lek et al., 2016); In silico analysis supports that this missense variant does not alter protein structure/function; Has not been previously published as pathogenic or benign to our knowledge

NM_001037333.3(CYFIP2):c.742T>C (p.Tyr248His)

Gene: CYFIP2 (cytoplasmic FMR1 interacting protein 2; plus strand). Cytogenetic location: 5q33.3.
Variant type: single nucleotide variant.
Coding change: c.742T>C on transcript NM_001037333.3 (MANE Select); coding-DNA position 742, T replaced by C.
Protein change: p.Tyr248His; replaces tyrosine 248 with histidine.
Molecular consequence: missense variant.
Genome position (GRCh38, 1-based): chr5:157,304,313, T>C. VCF-style: chr5-157304313-T-C. GRCh37 (hg19) VCF-style: chr5-156731321-T-C.
Other names: c.664T>C, p.Tyr222His (NM_001291721.2); c.742T>C, p.Tyr248His (NM_001291722.2, NM_014376.4); short protein forms Y222H, Y248H.
Identifiers: ClinVar variation 1314429 (VCV001314429.2), dbSNP rs2113899883, ClinGen allele CA361967271.
Genomic context (GRCh38, chr5:157,304,313, plus strand): 5'-CTTGAAGTGATCCCAGGCTATGAGGAGCTGCTGGCTGACATTGTCAACATCTGTGTGGAT[T>C]ACTACGAGAACAAGATGTACCTGACTCCCAGTGAGAAACATATGCTCCTCAAGGTAAAAC-3'
Protein context (NP_001032410.1, residues 238-258): LADIVNICVD[Tyr248His]YENKMYLTPS